The following is an entry in ClinVar:

NM_001123396.4(CCR2):c.*1179G>A

Gene: CCR2 (C-C motif chemokine receptor 2; plus strand). Cytogenetic location: 3p21.31.
Variant type: single nucleotide variant.
Coding change: c.*1179G>A on transcript NM_001123396.4 (MANE Select); 1179 bases downstream of the stop codon, G replaced by A.
Molecular consequence: 3 prime UTR variant. On other transcripts: missense variant (1).
Genome position (GRCh38, 1-based): chr3:46,359,789, G>A. VCF-style: chr3-46359789-G-A. GRCh37 (hg19) VCF-style: chr3-46401280-G-A.
Other names: c.1054G>A, p.Asp352Asn (NM_001123041.3); c.1054G>A (NM_001123041.2); short protein forms D352N.
Identifiers: ClinVar variation 625906 (VCV000625906.4), dbSNP rs368150580, ClinGen allele CA2354498.

ClinVar aggregate classification (germline): Uncertain significance. Review status: criteria provided, multiple submitters, no conflicts (2 of 4 stars). 2 submissions from 2 submitters: Uncertain significance (2). Last evaluated 2025-01-01.

Conditions:
Susceptibility to HIV infection. Also called: HUMAN IMMUNODEFICIENCY VIRUS TYPE 1, RESISTANCE TO; Human immunodeficiency virus type 1, susceptibility to; HIV-1, SUSCEPTIBILITY TO. Identifiers: MedGen C1836230, MONDO:0004951, OMIM 609423.

Allele frequency attached by ClinVar (database versions not stated): gnomAD exomes below 0.00001 and 0.00001; gnomAD 0.00001; ExAC 0.00002; TOPMed 0.00002; ESP Exome Variant Server 0.00010.
gnomAD v4.1: 4 of 1,614,044 alleles (0.00025%); highest among the groups gnomAD compares: Admixed American, 0.0017%; no homozygotes.

Submissions (2):

Ambry Genetics
Classification: Uncertain significance. Last evaluated: 2025-01-01. Review status: criteria provided, single submitter. Criteria: Ambry Variant Classification Scheme 2023. Collection method: clinical testing. Allele origin: germline.

Center for Genomics, Ann and Robert H. Lurie Children's Hospital of Chicago
Classification: Uncertain significance for Susceptibility to HIV infection. Last evaluated: 2021-03-30. Review status: criteria provided, single submitter. Criteria: ACMG Guidelines, 2015. Collection method: clinical testing. Allele origin: germline.
Comment: CCR2 NM_001123041.2 exon 3 p.Asp352Asn (c.1054G>A): This variant has not been reported in the literature but is present in 2/126260 European alleles in the Genome Aggregation Database. Evolutionary conservation and computational predictive tools suggest that this variant may not impact the protein. In summary, data on this variant is insufficient for disease classification. Therefore, the clinical significance of this variant is uncertain.